The following is an entry in ClinVar:

NM_022124.6(CDH23):c.3112A>G (p.Asn1038Asp)

Gene: CDH23 (cadherin related 23; plus strand). Cytogenetic location: 10q22.1.
Variant type: single nucleotide variant.
Coding change: c.3112A>G on transcript NM_022124.6 (MANE Select); coding-DNA position 3112, A replaced by G.
Protein change: p.Asn1038Asp; replaces asparagine 1038 with aspartic acid.
Molecular consequence: missense variant.
Genome position (GRCh38, 1-based): chr10:71,709,103, A>G. VCF-style: chr10-71709103-A-G. GRCh37 (hg19) VCF-style: chr10-73468860-A-G.
Other names: c.3112A>G, p.Asn1038Asp (NM_001171930.2); short protein forms N1038D.
Identifiers: ClinVar variation 1057359 (VCV001057359.7), dbSNP rs977208584, ClinGen allele CA209462001.

ClinVar aggregate classification (germline): Uncertain significance (1 of 4 stars; one submission).

Allele frequency attached by ClinVar (database versions not stated): gnomAD 0.00001; TOPMed below 0.00001.
gnomAD v4.1: 1 of 1,613,680 alleles (0.000062%); highest among the groups gnomAD compares: African/African-American, 0.0013%; no homozygotes.

Submission:

Labcorp Genetics (formerly Invitae), Labcorp
Classification: Uncertain significance. Last evaluated: 2020-07-02. Review status: criteria provided, single submitter. Criteria: Invitae Variant Classification Sherloc (09022015). Collection method: clinical testing. Allele origin: germline.
Comment: This sequence change replaces asparagine with aspartic acid at codon 1038 of the CDH23 protein (p.Asn1038Asp). The asparagine residue is highly conserved and there is a small physicochemical difference between asparagine and aspartic acid. This variant is not present in population databases (ExAC no frequency). This variant has not been reported in the literature in individuals with CDH23-related conditions. Algorithms developed to predict the effect of missense changes on protein structure and function are either unavailable or do not agree on the potential impact of this missense change (SIFT: "Deleterious"; PolyPhen-2: "Not Available"; Align-GVGD: "Class C15"). In summary, the available evidence is currently insufficient to determine the role of this variant in disease. Therefore, it has been classified as a Variant of Uncertain Significance.